The following is an entry in ClinVar:

NM_000096.4(CP):c.2594C>G (p.Ser865Cys)

Gene: CP (ceruloplasmin; minus strand). Cytogenetic location: 3q24.
Variant type: single nucleotide variant.
Coding change: c.2594C>G on transcript NM_000096.4 (MANE Select); coding-DNA position 2594, C replaced by G.
Protein change: p.Ser865Cys; replaces serine 865 with cysteine.
Molecular consequence: missense variant. On other transcripts: non-coding transcript variant (1).
Genome position (GRCh38, 1-based): chr3:149,179,623, G>C on the plus strand (C>G on the coding strand, the complement: CP is on the minus strand). VCF-style: chr3-149179623-G-C. GRCh37 (hg19) VCF-style: chr3-148897410-G-C.
Other names: c.2594C>G (NM_000096.3); short protein forms S865C.
Identifiers: ClinVar variation 1469499 (VCV001469499.7), dbSNP rs1410133815, ClinGen allele CA354930087.

ClinVar aggregate classification (germline): Uncertain significance. Review status: criteria provided, multiple submitters, no conflicts (2 of 4 stars). 2 submissions from 2 submitters: Uncertain significance (2). Last evaluated 2025-08-08.

Conditions:
Inborn genetic diseases. Identifiers: MedGen C0950123, MeSH D030342.
Deficiency of ferroxidase (ACEP). Also called: NEURODEGENERATION WITH BRAIN IRON ACCUMULATION 10; Aceruloplasminemia; Deficiency of ceruloplasmin; Ceruloplasmin deficiency; Familial apoceruloplasmin deficiency; Hereditary ceruloplasmin deficiency. Identifiers: Orphanet 48818, MedGen C0878682, MONDO:0011426, OMIM 604290, HP:0025498.

Allele frequency attached by ClinVar (database versions not stated): gnomAD exomes below 0.00001; TOPMed below 0.00001.

Submissions (2):

Ambry Genetics
Classification: Uncertain significance for Inborn genetic diseases. Last evaluated: 2025-08-08. Review status: criteria provided, single submitter. Criteria: Ambry Variant Classification Scheme 2023. Collection method: clinical testing. Allele origin: germline.

Labcorp Genetics (formerly Invitae), Labcorp
Classification: Uncertain significance for Deficiency of ferroxidase. Last evaluated: 2021-08-05. Review status: criteria provided, single submitter. Criteria: Invitae Variant Classification Sherloc (09022015). Collection method: clinical testing. Allele origin: germline.
Comment: This sequence change replaces serine with cysteine at codon 865 of the CP protein (p.Ser865Cys). The serine residue is highly conserved and there is a moderate physicochemical difference between serine and cysteine. This variant is not present in population databases (ExAC no frequency). This variant has not been reported in the literature in individuals affected with CP-related conditions. Algorithms developed to predict the effect of missense changes on protein structure and function are either unavailable or do not agree on the potential impact of this missense change (SIFT: "Deleterious"; PolyPhen-2: "Benign"; Align-GVGD: "Class C15"). In summary, the available evidence is currently insufficient to determine the role of this variant in disease. Therefore, it has been classified as a Variant of Uncertain Significance.